The following is an entry in ClinVar:

ClinVar aggregate classification (germline): Likely benign (1 of 4 stars; one submission).

Allele frequency attached by ClinVar (database versions not stated): gnomAD exomes below 0.00001.
gnomAD v4.1: 3 of 1,614,142 alleles (0.00019%); highest among the groups gnomAD compares: Non-Finnish European, 0.00025%; no homozygotes.

Submission:

CeGaT Center for Human Genetics Tuebingen
Classification: Likely benign. Last evaluated: 2024-03-01. Review status: criteria provided, single submitter. Criteria: CeGaT Center For Human Genetics Tuebingen Variant Classification Criteria Version 2. Collection method: clinical testing. Allele origin: germline. Affected: yes. Observed: 1 variant allele.
Comment: CPLANE1: BP4, BP7

NM_001384732.1(CPLANE1):c.6219C>T (p.Ser2073=)

Gene: CPLANE1 (ciliogenesis and planar polarity effector complex subunit 1; minus strand). Cytogenetic location: 5p13.2.
Variant type: single nucleotide variant.
Coding change: c.6219C>T on transcript NM_001384732.1 (MANE Select); coding-DNA position 6219, C replaced by T.
Protein change: p.Ser2073=; no amino-acid change (serine 2073 retained).
Molecular consequence: synonymous variant.
Genome position (GRCh38, 1-based): chr5:37,170,284, G>A on the plus strand (C>T on the coding strand, the complement: CPLANE1 is on the minus strand). VCF-style: chr5-37170284-G-A. GRCh37 (hg19) VCF-style: chr5-37170386-G-A.
Other names: c.6219C>T, p.Ser2073= (NM_023073.4).
Identifiers: ClinVar variation 3067508 (VCV003067508.21), dbSNP rs1438103685, ClinGen allele CA444097579.